The following is an entry in ClinVar:

NM_015100.4(POGZ):c.2342G>T (p.Cys781Phe)

Gene: POGZ (pogo transposable element derived with ZNF domain; minus strand). Cytogenetic location: 1q21.3.
Variant type: single nucleotide variant.
Coding change: c.2342G>T on transcript NM_015100.4 (MANE Select); coding-DNA position 2342, G replaced by T.
Protein change: p.Cys781Phe; replaces cysteine 781 with phenylalanine.
Molecular consequence: missense variant.
Genome position (GRCh38, 1-based): chr1:151,408,133, C>A on the plus strand (G>T on the coding strand, the complement: POGZ is on the minus strand). VCF-style: chr1-151408133-C-A. GRCh37 (hg19) VCF-style: chr1-151380609-C-A.
Other names: c.2315G>T, p.Cys772Phe (NM_001194937.2); c.2156G>T, p.Cys719Phe (NM_001194938.2); c.2363G>T, p.Cys788Phe (NM_001410860.1); c.2057G>T, p.Cys686Phe (NM_145796.4); c.2183G>T, p.Cys728Phe (NM_207171.2); short protein forms C686F, C719F, C728F, C772F, C781F, C788F.
Identifiers: ClinVar variation 4685425 (VCV004685425.1).

ClinVar aggregate classification (germline): Uncertain significance (1 of 4 stars; one submission).

Submission:

GeneDx
Classification: Uncertain significance. Last evaluated: 2025-07-07. Review status: criteria provided, single submitter. Criteria: GeneDx Variant Classification Process June 2021. Collection method: clinical testing. Allele origin: germline. Affected: yes.
Comment: Not observed at significant frequency in large population cohorts (gnomAD); In silico analysis supports that this missense variant has a deleterious effect on protein structure/function; Has not been previously published as pathogenic or benign to our knowledge